The following is an entry in ClinVar:

ClinVar aggregate classification (germline): Likely benign. Review status: criteria provided, single submitter (1 of 4 stars). 2 submissions from 2 submitters: Likely benign (1). 1 of the submissions does not count toward it. Last evaluated 2023-08-02.

Conditions:
COL4A1-related disorder. Also called: COL4A1-related disorders; COL4A1-related condition. Identifiers: MedGen CN376119, MONDO:0800461.

Allele frequency attached by ClinVar (database versions not stated): gnomAD exomes below 0.00001; gnomAD 0.00001; ExAC 0.00002.
gnomAD v4.1: 6 of 1,610,592 alleles (0.00037%); highest among the groups gnomAD compares: Non-Finnish European, 0.00051%; no homozygotes.

Submissions (2):

Blueprint Genetics
Classification: Likely benign. Last evaluated: 2023-08-02. Review status: criteria provided, single submitter. Criteria: ACMG Guidelines, 2015. Collection method: clinical testing. Allele origin: germline.

PreventionGenetics, part of Exact Sciences
Classification: Likely benign for COL4A1-related condition. Last evaluated: 2022-04-12. Review status: no assertion criteria provided. Collection method: clinical testing. Allele origin: germline. Not counted in ClinVar's aggregate classification.
Comment: This variant is classified as likely benign based on ACMG/AMP sequence variant interpretation guidelines (Richards et al. 2015 PMID: 25741868, with internal and published modifications).

NM_001845.6(COL4A1):c.2969-10A>G

Gene: COL4A1 (collagen type IV alpha 1 chain; minus strand). Cytogenetic location: 13q34.
Variant type: single nucleotide variant.
Coding change: c.2969-10A>G on transcript NM_001845.6 (MANE Select); 10 bases into the intron before coding-DNA position 2969, A replaced by G.
Molecular consequence: intron variant.
Genome position (GRCh38, 1-based): chr13:110,176,523, T>C on the plus strand (A>G on the coding strand, the complement: COL4A1 is on the minus strand). VCF-style: chr13-110176523-T-C. GRCh37 (hg19) VCF-style: chr13-110828870-T-C.
Identifiers: ClinVar variation 3036396 (VCV003036396.3), dbSNP rs774684682, ClinGen allele CA7047415.